The following is an entry in ClinVar:

ClinVar aggregate classification (germline): Benign (1 of 4 stars; one submission).

Conditions:
Melanoma-pancreatic cancer syndrome. Identifiers: Orphanet 404560, MedGen C1838547, MONDO:0011713, OMIM 606719. Disease mechanism: loss of function.

gnomAD v4.1: 5 of 1,586,380 alleles (0.00032%); highest among the groups gnomAD compares: African/African-American, 0.0027%; no homozygotes.

Submission:

Myriad Genetics, Inc.
Classification: Benign for Melanoma-pancreatic cancer syndrome. Last evaluated: 2025-08-18. Review status: criteria provided, single submitter. Criteria: Myriad Autosomal Dominant, Autosomal Recessive and X-Linked Classification Criteria (2023). Collection method: clinical testing. Allele origin: unknown.
Comment: This variant is considered benign. This variant is intronic and is not expected to impact mRNA splicing.

NM_000077.5(CDKN2A):c.458-66G>A

Gene: CDKN2A (cyclin dependent kinase inhibitor 2A; minus strand). Cytogenetic location: 9p21.3.
Variant type: single nucleotide variant.
Coding change: c.458-66G>A on transcript NM_000077.5 (MANE Select); 66 bases into the intron before coding-DNA position 458, G replaced by A.
Molecular consequence: intron variant.
Genome position (GRCh38, 1-based): chr9:21,968,308, C>T on the plus strand (G>A on the coding strand, the complement: CDKN2A is on the minus strand). VCF-style: chr9-21968308-C-T. GRCh37 (hg19) VCF-style: chr9-21968307-C-T.
Other names: c.305-66G>A (NM_001363763.2); c.*102-66G>A (NM_058195.4); c.*151-66G>A (NM_001195132.2); c.*381-66G>A (NM_058197.5).
Identifiers: ClinVar variation 4294132 (VCV004294132.1).